The following is an entry in ClinVar:

NM_001267550.2(TTN):c.34612+250T>C

Gene: TTN (titin; minus strand). Cytogenetic location: 2q31.2.
Variant type: single nucleotide variant.
Coding change: c.34612+250T>C on transcript NM_001267550.2 (MANE Select); 250 bases into the intron after coding-DNA position 34612, T replaced by C.
Molecular consequence: intron variant.
Genome position (GRCh38, 1-based): chr2:178,674,789, A>G on the plus strand (T>C on the coding strand, the complement: TTN is on the minus strand). VCF-style: chr2-178674789-A-G. GRCh37 (hg19) VCF-style: chr2-179539516-A-G.
Other names: c.13283-32472T>C (NM_003319.4); c.13859-32472T>C (NM_133437.4); c.13658-32472T>C (NM_133432.3); c.30709+250T>C (NM_133378.4); c.33490+250T>C (NM_001256850.1).
Identifiers: ClinVar variation 679887 (VCV000679887.1), dbSNP rs141096859, ClinGen allele CA60979656.
Genomic context (GRCh38, chr2:178,674,789, plus strand): 5'-TTGGATAAGCTTATTTTACAGTTGCCTACTAAGTCATTTGATGAAAAATTTCCCACAGCA[A>G]ATACAGTTTCCCTTCATGAATTCTAATTAAAATAAAACAAATAGCAAACAGACAAACAGG-3'

ClinVar aggregate classification (germline): Likely benign (1 of 4 stars; one submission).

Allele frequency attached by ClinVar (database versions not stated): 1000 Genomes Project 30x 0.00078; 1000 Genomes Project 0.00080; TOPMed 0.00329; gnomAD 0.00419 and 0.00437.

Submission:

GeneDx
Classification: Likely benign. Last evaluated: 2018-06-19. Review status: criteria provided, single submitter. Criteria: GeneDx Variant Classification (06012015). Collection method: clinical testing. Allele origin: germline. Affected: yes.
Comment: This variant is considered likely benign or benign based on one or more of the following criteria: it is a conservative change, it occurs at a poorly conserved position in the protein, it is predicted to be benign by multiple in silico algorithms, and/or has population frequency not consistent with disease.